The following is an entry in ClinVar:

NM_024757.5(EHMT1):c.945G>A (p.Met315Ile)

Gene: EHMT1 (euchromatic histone lysine methyltransferase 1; plus strand). Cytogenetic location: 9q34.3.
Variant type: single nucleotide variant.
Coding change: c.945G>A on transcript NM_024757.5 (MANE Select); coding-DNA position 945, G replaced by A.
Protein change: p.Met315Ile; replaces methionine 315 with isoleucine.
Molecular consequence: missense variant.
Genome position (GRCh38, 1-based): chr9:137,743,492, G>A. VCF-style: chr9-137743492-G-A. GRCh37 (hg19) VCF-style: chr9-140637944-G-A.
Other names: c.945G>A, p.Met315Ile (NM_001145527.2, NM_001354611.2); c.852G>A, p.Met284Ile (NM_001354259.2, NM_001354612.2); c.924G>A, p.Met308Ile (NM_001354263.2); short protein forms M284I, M308I, M315I.
Identifiers: ClinVar variation 3236909 (VCV003236909.1).

ClinVar aggregate classification (germline): Benign (1 of 4 stars; one submission).

Conditions:
Kleefstra syndrome 1 (KLEFS1). Identifiers: Orphanet 261494, MedGen C0795833, MONDO:0027407, OMIM 610253.

gnomAD v4.1: 2 of 1,614,062 alleles (0.00012%); highest among the groups gnomAD compares: South Asian, 0.0022%; no homozygotes.

Submission:

Laboratory of Genetics, Children's Clinical University Hospital Latvia
Classification: Benign for Kleefstra syndrome 1. Review status: criteria provided, single submitter. Criteria: ACMG Guidelines, 2015. Collection method: curation. Allele origin: de novo. Affected: yes.
Comment: de novo

Literature cited by the submitters: PubMed 39013458.